The following is an entry in ClinVar:

NM_006940.6(SOX5):c.53G>A (p.Arg18Gln)

Gene: SOX5 (SRY-box transcription factor 5; minus strand). Cytogenetic location: 12p12.1.
Variant type: single nucleotide variant.
Coding change: c.53G>A on transcript NM_006940.6 (MANE Select); coding-DNA position 53, G replaced by A.
Protein change: p.Arg18Gln; replaces arginine 18 with glutamine.
Molecular consequence: missense variant.
Genome position (GRCh38, 1-based): chr12:23,896,010, C>T on the plus strand (G>A on the coding strand, the complement: SOX5 is on the minus strand). VCF-style: chr12-23896010-C-T. GRCh37 (hg19) VCF-style: chr12-24048944-C-T.
Other names: c.14G>A, p.Arg5Gln (NM_001261414.3, NM_152989.5); c.23G>A, p.Arg8Gln (NM_001261415.3); c.53G>A, p.Arg18Gln (NM_001330785.2); short protein forms R18Q, R5Q, R8Q.
Identifiers: ClinVar variation 3251836 (VCV003251836.1), dbSNP rs1473456893.

ClinVar aggregate classification (germline): Uncertain significance (1 of 4 stars; one submission).

Allele frequency attached by ClinVar (database versions not stated): gnomAD exomes 0.00001; TOPMed 0.00002.
gnomAD v4.1: 8 of 1,612,748 alleles (0.0005%); highest among the groups gnomAD compares: African/African-American, 0.0013%; no homozygotes.

Submission:

Women's Health and Genetics/Laboratory Corporation of America, LabCorp
Classification: Uncertain significance. Last evaluated: 2024-04-19. Review status: criteria provided, single submitter. Criteria: LabCorp Variant Classification Summary - May 2015. Collection method: clinical testing. Allele origin: germline.
Comment: Variant summary: SOX5 c.53G>A (p.Arg18Gln) results in a conservative amino acid change in the encoded protein sequence. Three of five in-silico tools predict a benign effect of the variant on protein function. The variant was absent in 250832 control chromosomes. The available data on variant occurrences in the general population are insufficient to allow any conclusion about variant significance. To our knowledge, no occurrence of c.53G>A in individuals affected with Lamb-Shaffer Syndrome and no experimental evidence demonstrating its impact on protein function have been reported. No submitters have cited clinical-significance assessments for this variant to ClinVar. Based on the evidence outlined above, the variant was classified as uncertain significance.